The following is an entry in ClinVar:

ClinVar aggregate classification (germline): Uncertain significance (1 of 4 stars; one submission).

Submission:

Women's Health and Genetics/Laboratory Corporation of America, LabCorp
Classification: Uncertain significance. Last evaluated: 2025-02-07. Review status: criteria provided, single submitter. Criteria: LabCorp Variant Classification Summary - May 2015. Collection method: clinical testing. Allele origin: germline.
Comment: Variant summary: MOCS1 c.596_616del21 (p.Val199_Lys205del) results in an in-frame deletion that is predicted to remove 7 amino acids from the encoded protein. The variant allele was found at a frequency of 4e-06 in 251422 control chromosomes. The available data on variant occurrences in the general population are insufficient to allow any conclusion about variant significance. To our knowledge, no occurrence of c.596_616del21 in individuals affected with Molybdenum Cofactor Deficiency and no experimental evidence demonstrating its impact on protein function have been reported. No submitters have cited clinical-significance assessments for this variant to ClinVar. Based on the evidence outlined above, the variant was classified as uncertain significance.

NM_001358530.2(MOCS1):c.596_616del (p.Val199_Lys205del)

Gene: MOCS1 (molybdenum cofactor synthesis 1; minus strand). Cytogenetic location: 6p21.2.
Variant type: Deletion.
Coding change: c.596_616del on transcript NM_001358530.2 (MANE Select); coding-DNA positions 596 to 616, 21 bases deleted (TCATGGAGGGCATCCACAAGG).
Protein change: p.Val199_Lys205del.
Molecular consequence: non-coding transcript variant (on NR_033233.2).
Genome position (GRCh38, 1-based): chr6:39,913,803-39,913,823, CCTTGTGGATGCCCTCCATGA deleted on the plus strand (TCATGGAGGGCATCCACAAGG on the coding strand, the reverse complement: MOCS1 is on the minus strand); deleting any 21 consecutive bases within chr6:39,913,803-39,913,832 gives the same sequence; the c. name uses the placement nearest the transcript's 3' end. VCF-style (leftmost placement, unchanged base first): chr6-39913802-GCCTTGTGGATGCCCTCCATGA-G. GRCh37 (hg19) VCF-style: chr6-39881546-GCCTTGTGGATGCCCTCCATGA-G.
Other names: c.596_616del, p.Val199_Lys205del (NM_001075098.4, NM_001358529.2, NM_005943.6); c.335_355del, p.Val112_Lys118del (NM_001358531.2, NM_001358533.2, NM_001358534.2); c.596_616del21 (NM_005943.6).
Identifiers: ClinVar variation 3768700 (VCV003768700.1).
Genomic context (GRCh38, chr6:39,913,802, plus strand): 5'-GTCGGGAATCTACGGCAGGGGCACGGCCTCACCTTCACAGGGTTGTAGCCCAGCTCGATG[GCCTTGTGGATGCCCTCCATGA>G]CCTTGTGGAAGCCTGGGAGGGAGAAACAAGGATCCAGGAACTTCTGTCCTCTCTCCTCTT-3'